The following is an entry in ClinVar:

NM_000384.3(APOB):c.400G>A (p.Ala134Thr)

Gene: APOB (apolipoprotein B; minus strand). Cytogenetic location: 2p24.1.
Variant type: single nucleotide variant.
Coding change: c.400G>A on transcript NM_000384.3 (MANE Select); coding-DNA position 400, G replaced by A.
Protein change: p.Ala134Thr; replaces alanine 134 with threonine.
Molecular consequence: missense variant.
Genome position (GRCh38, 1-based): chr2:21,038,095, C>T on the plus strand (G>A on the coding strand, the complement: APOB is on the minus strand). VCF-style: chr2-21038095-C-T. GRCh37 (hg19) VCF-style: chr2-21260967-C-T.
Other names: short protein forms A134T.
Identifiers: ClinVar variation 629970 (VCV000629970.9), dbSNP rs368321279, ClinGen allele CA345962797.

ClinVar aggregate classification (germline): Uncertain significance. Review status: criteria provided, multiple submitters, no conflicts (2 of 4 stars). 4 submissions from 4 submitters: Uncertain significance (4). Last evaluated 2025-11-03.

Conditions:
Hypercholesterolemia, autosomal dominant, type B (FHCL2). Also called: APOB-Related Familial Hypercholesterolemia, Autosomal Dominant; Hyperlipoproteinemia Type IIb; Familial Hypercholesterolemia Type B; APOLIPOPROTEIN B-100, FAMILIAL DEFECTIVE; APOLIPOPROTEIN B-100, FAMILIAL LIGAND-DEFECTIVE; Familial hypercholesterolemia 2. Identifiers: MedGen C1704417, MONDO:0007751, OMIM 144010.
Familial hypobetalipoproteinemia 1. Also called: APOB-Related Familial Hypobetalipoproteinemia; Hypobetalipoproteinemia, normotriglyceridemic; Acanthocytosis with hypobetalipoproteinemia. Identifiers: MedGen C4551990, MONDO:0014252, OMIM 615558.
Cardiovascular phenotype. Identifiers: MedGen CN230736.

Submissions (4):

Labcorp Genetics (formerly Invitae), Labcorp
Classification: Uncertain significance for Familial hypobetalipoproteinemia 1; Hypercholesterolemia, autosomal dominant, type B. Last evaluated: 2025-11-03. Review status: criteria provided, single submitter. Criteria: Invitae Variant Classification Sherloc (09022015). Collection method: clinical testing. Allele origin: germline.
Comment: This sequence change replaces alanine, which is neutral and non-polar, with threonine, which is neutral and polar, at codon 134 of the APOB protein (p.Ala134Thr). This variant is not present in population databases (gnomAD no frequency). This variant has not been reported in the literature in individuals affected with APOB-related conditions. ClinVar contains an entry for this variant (Variation ID: 629970). Invitae Evidence Modeling of protein sequence and biophysical properties (such as structural, functional, and spatial information, amino acid conservation, physicochemical variation, residue mobility, and thermodynamic stability) indicates that this missense variant is not expected to disrupt APOB protein function with a negative predictive value of 95%. In summary, the available evidence is currently insufficient to determine the role of this variant in disease. Therefore, it has been classified as a Variant of Uncertain Significance.

Ambry Genetics
Classification: Uncertain significance for Cardiovascular phenotype. Last evaluated: 2021-12-07. Review status: criteria provided, single submitter. Criteria: Ambry Variant Classification Scheme 2023. Collection method: clinical testing. Allele origin: germline.
Comment: The p.A134T variant (also known as c.400G>A), located in coding exon 5 of the APOB gene, results from a G to A substitution at nucleotide position 400. The alanine at codon 134 is replaced by threonine, an amino acid with similar properties. This amino acid position is conserved. In addition, this alteration is predicted to be tolerated by in silico analysis. Since supporting evidence is limited at this time, the clinical significance of this alteration remains unclear.

Fulgent Genetics
Classification: Uncertain significance for Hypercholesterolemia, autosomal dominant, type B; Familial hypobetalipoproteinemia 1. Last evaluated: 2021-08-30. Review status: criteria provided, single submitter. Criteria: ACMG Guidelines, 2015. Collection method: clinical testing. Allele origin: unknown.

GeneDx
Classification: Uncertain significance. Last evaluated: 2020-01-16. Review status: criteria provided, single submitter. Criteria: GeneDx Variant Classification Process June 2021. Collection method: clinical testing. Allele origin: germline. Affected: yes.
Comment: Has not been previously published as pathogenic or benign to our knowledge; Not observed in large population cohorts (Lek et al., 2016); In silico analysis, which includes protein predictors and evolutionary conservation, supports that this variant does not alter protein structure/function